The following is an entry in ClinVar:

ClinVar aggregate classification (germline): Uncertain significance. Review status: criteria provided, multiple submitters, no conflicts (2 of 4 stars). 3 submissions from 3 submitters: Uncertain significance (3). Last evaluated 2026-02-20.

Conditions:
Fumarase deficiency (FMRD). Also called: Fumaric aciduria; Fumarate Hydratase Deficiency. Identifiers: Orphanet 24, MedGen C0342770, MONDO:0011730, OMIM 606812.
Hereditary leiomyomatosis and renal cell cancer. Also called: Familial leiomyomatosis; MULTIPLE CUTANEOUS AND UTERINE LEIOMYOMATA 1, WITH OR WITHOUT RENAL CELL CARCINOMA; LEIOMYOMA, MULTIPLE CUTANEOUS; FH tumor predisposition syndrome; Multiple cutaneous leiomyomas; Reed syndrome. Identifiers: Orphanet 523, MedGen C1708350, MONDO:0007888, OMIM 150800, HP:0007437. Disease mechanism: loss of function.

Allele frequency attached by ClinVar (database versions not stated): gnomAD 0.00001.

Submissions (3):

St. Jude Molecular Pathology, St. Jude Children's Research Hospital
Classification: Uncertain significance for Hereditary leiomyomatosis and renal cell cancer. Last evaluated: 2026-02-20. Review status: criteria provided, single submitter. Criteria: St. Jude Assertion Criteria 2020. Collection method: clinical testing. Allele origin: germline.
Comment: the FH gene are associated with autosomal recessive fumarase deficiency (OMIM ID: 606812). The FH c.31T>C p.(Ser11Pro) missense change is absent in gnomAD v2.1.1. The in silico tool REVEL is inconclus ive about a pathogenic or benign effect of this variant on protein function, and to our knowledge functional studies have not been performed. To our knowledge, this variant has not been reported in the literature in individuals with FH-associated conditi ons. In summary, the evidence currently available is insufficient to determine the clinical significance of this variant. It has therefore been classified as of uncertain significance.

Labcorp Genetics (formerly Invitae), Labcorp
Classification: Uncertain significance. Last evaluated: 2025-08-15. Review status: criteria provided, single submitter. Criteria: Invitae Variant Classification Sherloc (09022015). Collection method: clinical testing. Allele origin: germline.
Comment: This sequence change replaces serine, which is neutral and polar, with proline, which is neutral and non-polar, at codon 11 of the FH protein (p.Ser11Pro). This variant is not present in population databases (gnomAD no frequency). This variant has not been reported in the literature in individuals affected with FH-related conditions. ClinVar contains an entry for this variant (Variation ID: 1429906). Invitae Evidence Modeling of protein sequence and biophysical properties (such as structural, functional, and spatial information, amino acid conservation, physicochemical variation, residue mobility, and thermodynamic stability) indicates that this missense variant is not expected to disrupt FH protein function with a negative predictive value of 95%. In summary, the available evidence is currently insufficient to determine the role of this variant in disease. Therefore, it has been classified as a Variant of Uncertain Significance.

Baylor Genetics
Classification: Uncertain significance for Fumarase deficiency. Last evaluated: 2023-12-12. Review status: criteria provided, single submitter. Criteria: ACMG Guidelines, 2015. Collection method: clinical testing. Allele origin: unknown.

NM_000143.4(FH):c.31T>C (p.Ser11Pro)

Gene: FH (fumarate hydratase; minus strand). Cytogenetic location: 1q43.
Variant type: single nucleotide variant.
Coding change: c.31T>C on transcript NM_000143.4 (MANE Select); coding-DNA position 31, T replaced by C.
Protein change: p.Ser11Pro; replaces serine 11 with proline.
Molecular consequence: missense variant.
Genome position (GRCh38, 1-based): chr1:241,519,692, A>G on the plus strand (T>C on the coding strand, the complement: FH is on the minus strand). VCF-style: chr1-241519692-A-G. GRCh37 (hg19) VCF-style: chr1-241682992-A-G.
Other names: c.31T>C (NM_000143.3); short protein forms S11P.
Identifiers: ClinVar variation 1429906 (VCV001429906.7), dbSNP rs1660323255, ClinGen allele CA345443028.